The following is an entry in ClinVar:

ClinVar aggregate classification (germline): Likely benign. Review status: criteria provided, multiple submitters, no conflicts (2 of 4 stars). 5 submissions from 5 submitters: Likely benign (4). 1 of the submissions does not count toward it. Last evaluated 2025-06-23.

Conditions:
Familial hemiplegic migraine. Identifiers: MedGen C0338484, MONDO:0000700.
ATP1A2-related disorder. Also called: ATP1A2-related condition; ATP1A2-RELATED DISORDERS.

Allele frequency attached by ClinVar (database versions not stated): TOPMed 0.00002; gnomAD 0.00010.
gnomAD v4.1: 48 of 1,610,090 alleles (0.003%); highest among the groups gnomAD compares: Non-Finnish European, 0.0041%; no homozygotes.

Submissions (5):

Labcorp Genetics (formerly Invitae), Labcorp
Classification: Likely benign for Familial hemiplegic migraine. Last evaluated: 2025-06-23. Review status: criteria provided, single submitter. Criteria: Invitae Variant Classification Sherloc (09022015). Collection method: clinical testing. Allele origin: germline.

Laboratory of Genetics, Children's Clinical University Hospital Latvia
Classification: Likely benign. Last evaluated: 2025-02-16. Review status: criteria provided, single submitter. Criteria: ACMG Guidelines, 2015. Collection method: clinical testing. Allele origin: germline. Affected: yes.

Blueprint Genetics
Classification: Likely benign. Last evaluated: 2024-11-11. Review status: criteria provided, single submitter. Criteria: ACMG Guidelines, 2015. Collection method: clinical testing. Allele origin: germline.

GeneDx
Classification: Likely benign. Last evaluated: 2021-10-05. Review status: criteria provided, single submitter. Criteria: GeneDx Variant Classification Process June 2021. Collection method: clinical testing. Allele origin: germline. Affected: yes.

PreventionGenetics, part of Exact Sciences
Classification: Likely benign for ATP1A2-related condition. Last evaluated: 2020-03-24. Review status: no assertion criteria provided. Collection method: clinical testing. Allele origin: germline. Not counted in ClinVar's aggregate classification.
Comment: This variant is classified as likely benign based on ACMG/AMP sequence variant interpretation guidelines (Richards et al. 2015 PMID: 25741868, with internal and published modifications).

NM_000702.4(ATP1A2):c.1251G>C (p.Thr417=)

Gene: ATP1A2 (ATPase Na+/K+ transporting subunit alpha 2; plus strand). Cytogenetic location: 1q23.2.
Variant type: single nucleotide variant.
Coding change: c.1251G>C on transcript NM_000702.4 (MANE Select); coding-DNA position 1251, G replaced by C.
Protein change: p.Thr417=; no amino-acid change (threonine 417 retained).
Molecular consequence: synonymous variant.
Genome position (GRCh38, 1-based): chr1:160,129,014, G>C. VCF-style: chr1-160129014-G-C. GRCh37 (hg19) VCF-style: chr1-160098804-G-C.
Identifiers: ClinVar variation 377528 (VCV000377528.18), dbSNP rs142309356, ClinGen allele CA1194426.